The following is an entry in ClinVar:

ClinVar aggregate classification (germline): Likely benign (0 of 4 stars; one submission).

Conditions:
TYMS-related disorder. Also called: TYMS-related condition.

Submission:

PreventionGenetics, part of Exact Sciences
Classification: Likely benign for TYMS-related condition. Last evaluated: 2022-12-29. Review status: no assertion criteria provided. Collection method: clinical testing. Allele origin: germline.
Comment: This variant is classified as likely benign based on ACMG/AMP sequence variant interpretation guidelines (Richards et al. 2015 PMID: 25741868, with internal and published modifications).

NM_001071.4(TYMS):c.136A>C (p.Arg46=)

Genes: TYMS (thymidylate synthetase; plus strand), TYMSOS (TYMS opposite strand RNA; minus strand). Cytogenetic location: 18p11.32.
Variant type: single nucleotide variant.
Coding change: c.136A>C on transcript NM_001071.4 (MANE Select); coding-DNA position 136, A replaced by C.
Protein change: p.Arg46=; no amino-acid change (arginine 46 retained).
Molecular consequence: synonymous variant. On other transcripts: non-coding transcript variant (1).
Genome position (GRCh38, 1-based): chr18:657,878, A>C. VCF-style: chr18-657878-A-C. GRCh37 (hg19) VCF-style: chr18-657878-A-C.
Other names: c.136A>C, p.Arg46= (NM_001354867.2, NM_001354868.2).
Identifiers: ClinVar variation 3053632 (VCV003053632.2), dbSNP rs1376079761, ClinGen allele CA502650003.